The following is an entry in ClinVar:

ClinVar aggregate classification (germline): Likely benign (1 of 4 stars; one submission).

Allele frequency attached by ClinVar (database versions not stated): gnomAD 0.00001 and 0.00006; TOPMed 0.00001.
gnomAD v4.1: 2 of 1,612,962 alleles (0.00012%); highest among the groups gnomAD compares: African/African-American, 0.0027%; no homozygotes.

Submission:

Laboratory for Molecular Medicine, Mass General Brigham Personalized Medicine
Classification: Likely benign. Last evaluated: 2015-11-13. Review status: criteria provided, single submitter. Criteria: LMM Criteria. Collection method: clinical testing. Allele origin: germline. Observed: 1 variant allele.
Comment: p.Lys1292Lys in exon 29 of LAMA4: This variant is not expected to have clinical significance because it does not alter an amino acid residue and is not located within the splice consensus sequence.

NM_001105206.3(LAMA4):c.3897A>G (p.Lys1299=)

Gene: LAMA4 (laminin subunit alpha 4; minus strand). Cytogenetic location: 6q21.
Variant type: single nucleotide variant.
Coding change: c.3897A>G on transcript NM_001105206.3 (MANE Select); coding-DNA position 3897, A replaced by G.
Protein change: p.Lys1299=; no amino-acid change (lysine 1299 retained).
Molecular consequence: synonymous variant.
Genome position (GRCh38, 1-based): chr6:112,131,039, T>C on the plus strand (A>G on the coding strand, the complement: LAMA4 is on the minus strand). VCF-style: chr6-112131039-T-C. GRCh37 (hg19) VCF-style: chr6-112452241-T-C.
Other names: c.3876A>G, p.Lys1292= (NM_001105207.3, NM_002290.5).
Identifiers: ClinVar variation 227479 (VCV000227479.4), dbSNP rs876657482, ClinGen allele CA10577196.